The following is an entry in ClinVar:

NM_001199107.2(TBC1D24):c.331G>C (p.Glu111Gln)

Gene: TBC1D24 (TBC1 domain family member 24; plus strand). Cytogenetic location: 16p13.3.
Variant type: single nucleotide variant.
Coding change: c.331G>C on transcript NM_001199107.2 (MANE Select); coding-DNA position 331, G replaced by C.
Protein change: p.Glu111Gln; replaces glutamic acid 111 with glutamine.
Molecular consequence: missense variant.
Genome position (GRCh38, 1-based): chr16:2,496,479, G>C. VCF-style: chr16-2496479-G-C. GRCh37 (hg19) VCF-style: chr16-2546480-G-C.
Other names: c.331G>C, p.Glu111Gln (NM_020705.3); short protein forms E111Q.
Identifiers: ClinVar variation 2144713 (VCV002144713.4), dbSNP rs773211471, ClinGen allele CA394375544.
Genomic context (GRCh38, chr16:2,496,479, plus strand): 5'-CCGCTGCCCGAGTTCGTGGACAACACGCAGGTGCCCAGCTACTGCCTGAATGCACGCGGC[G>C]AGGGGGCCGTGCGCAAGATCCTCCTGTGCCTGGCCAACCAGTTCCCCGACATCTCCTTCT-3'
Protein context (NP_001186036.1, residues 101-121): VPSYCLNARG[Glu111Gln]GAVRKILLCL

ClinVar aggregate classification (germline): Uncertain significance (1 of 4 stars; one submission).

Conditions:
Autosomal dominant nonsyndromic hearing loss 65. Also called: Deafness, autosomal dominant 65; TBC1D24-Related Autosomal Dominant Nonsyndromic Hearing Loss (DFNA). Identifiers: Orphanet 90635, MedGen C3892048, MONDO:0014470, OMIM 616044.
Developmental and epileptic encephalopathy, 1 (DEE1). Also called: X-linked infantile spasms; West's syndrome; Tonic spasms with clustering, arrest of psychomotor development and hypsarrhythmia on EEG; X-Linked Infantile Spasm Syndrome; OHTAHARA SYNDROME, X-LINKED; INFANTILE SPASM SYNDROME, X-LINKED 1. Identifiers: MedGen C3463992, MONDO:0010632, OMIM 308350. Disease mechanism: loss of function.

gnomAD v4.1: 3 of 1,610,710 alleles (0.00019%); highest among the groups gnomAD compares: Admixed American, 0.0033%; no homozygotes.

Submission:

Labcorp Genetics (formerly Invitae), Labcorp
Classification: Uncertain significance for Developmental and epileptic encephalopathy, 1; Autosomal dominant nonsyndromic hearing loss 65. Last evaluated: 2024-11-05. Review status: criteria provided, single submitter. Criteria: Invitae Variant Classification Sherloc (09022015). Collection method: clinical testing. Allele origin: germline.
Comment: This sequence change replaces glutamic acid, which is acidic and polar, with glutamine, which is neutral and polar, at codon 111 of the TBC1D24 protein (p.Glu111Gln). This variant is present in population databases (no rsID available, gnomAD 0.003%). This variant has not been reported in the literature in individuals affected with TBC1D24-related conditions. ClinVar contains an entry for this variant (Variation ID: 2144713). Invitae Evidence Modeling of protein sequence and biophysical properties (such as structural, functional, and spatial information, amino acid conservation, physicochemical variation, residue mobility, and thermodynamic stability) indicates that this missense variant is not expected to disrupt TBC1D24 protein function with a negative predictive value of 95%. In summary, the available evidence is currently insufficient to determine the role of this variant in disease. Therefore, it has been classified as a Variant of Uncertain Significance.